The following is an entry in ClinVar:

NM_007294.4(BRCA1):c.5074+1689A>G

Gene: BRCA1 (BRCA1 DNA repair associated; minus strand). Cytogenetic location: 17q21.31.
Variant type: single nucleotide variant.
Coding change: c.5074+1689A>G on transcript NM_007294.4 (MANE Select); 1689 bases into the intron after coding-DNA position 5074, A replaced by G.
Molecular consequence: intron variant.
Genome position (GRCh38, 1-based): chr17:43,065,919, T>C on the plus strand (A>G on the coding strand, the complement: BRCA1 is on the minus strand). VCF-style: chr17-43065919-T-C. GRCh37 (hg19) VCF-style: chr17-41217936-T-C.
Other names: c.4945+1689A>G (NM_001407682.1, NM_001407681.1, NM_001407689.1 and 6 more transcripts); c.4948+1689A>G (NM_001407676.1, NM_001407863.1, NM_001407679.1 and 11 more transcripts); c.4951+1689A>G (NM_001407938.1, NM_001407667.1, NM_001407664.1 and 6 more transcripts); c.1645+1689A>G (NM_001408423.1, NM_001408421.1, NM_001408422.1 and 1 more transcripts); c.1648+1689A>G (NM_001408420.1, NM_001408419.1, NM_001408418.1); c.1759+1689A>G (NM_001408404.1, NM_001408403.1, NM_001408400.1 and 8 more transcripts); c.1762+1689A>G (NM_001408472.1, NM_001407990.1, NM_007299.4 and 12 more transcripts); c.1765+1689A>G (NM_001407974.1, NM_001407975.1, NM_001407978.1 and 3 more transcripts); and 71 more.
Identifiers: ClinVar variation 4732192 (VCV004732192.1).
Genomic context (GRCh38, chr17:43,065,919, plus strand): 5'-GGTAACGGTTCTTCAGATACTTGAAGACAGTGTCTTATTTCCTTAAATCTTCTCATTTCT[T>C]CTTCAAAAGACAGTATTTCAAGTTACTTTTATGTATCTTTACCATCTACCTCTGGATAAA-3'

ClinVar aggregate classification (germline): Uncertain significance (1 of 4 stars; one submission).

Conditions:
Hereditary breast ovarian cancer syndrome. Also called: BRCA1- and BRCA2-Associated Hereditary Breast and Ovarian Cancer; Breast and ovarian cancer; Hereditary breast and ovarian cancer; Hereditary breast and ovarian cancer syndrome (HBOC); Hereditary breast and ovarian cancer syndrome; Hereditary breast and/or ovarian cancer syndrome. Identifiers: Orphanet 145, MedGen C0677776, MeSH D061325, MONDO:0003582. Disease mechanism: loss of function.

Submission:

Labcorp Genetics (formerly Invitae), Labcorp
Classification: Uncertain significance for Hereditary breast ovarian cancer syndrome. Last evaluated: 2025-11-28. Review status: criteria provided, single submitter. Criteria: Invitae Variant Classification Sherloc (09022015). Collection method: clinical testing. Allele origin: germline.
Comment: This sequence change falls in intron 16 of the BRCA1 gene. It does not directly change the encoded amino acid sequence of the BRCA1 protein. RNA analysis indicates that this variant induces altered splicing and likely results in the gain of 51 amino acid residue(s), but is expected to preserve the integrity of the reading-frame. This variant is not present in population databases (gnomAD no frequency). This variant has not been reported in the literature in individuals affected with BRCA1-related conditions. Studies have shown that this variant results in the activation of a cryptic splice site in intron 16 (internal data). In summary, the available evidence is currently insufficient to determine the role of this variant in disease. Therefore, it has been classified as a Variant of Uncertain Significance.